The following is an entry in ClinVar:

NM_001042603.3(KDM5A):c.72G>C (p.Pro24=)

Gene: KDM5A (lysine demethylase 5A; minus strand). Cytogenetic location: 12p13.33.
Variant type: single nucleotide variant.
Coding change: c.72G>C on transcript NM_001042603.3 (MANE Select); coding-DNA position 72, G replaced by C.
Protein change: p.Pro24=; no amino-acid change (proline 24 retained).
Molecular consequence: synonymous variant.
Genome position (GRCh38, 1-based): chr12:389,020, C>G on the plus strand (G>C on the coding strand, the complement: KDM5A is on the minus strand). VCF-style: chr12-389020-C-G. GRCh37 (hg19) VCF-style: chr12-498186-C-G.
Identifiers: ClinVar variation 4872474 (VCV004872474.2).
Genomic context (GRCh38, chr12:389,020, plus strand): 5'-CTCCGCCAAAGGCCGGATGCGGCCGATAAAGCTGAGCGGATCTGTGAACTCCTCCCAACT[C>G]GGCTCAAAGACGGGGCACTCTGGCGGTGGCACGAACTCCGCCGCGTAGCCCCCCGGCCCC-3'
Protein context (NP_001036068.1, residues 14-34): VPPPECPVFE[Pro24=]SWEEFTDPLS

ClinVar aggregate classification (germline): Likely benign (1 of 4 stars; one submission).

gnomAD v4.1: 526 of 1,613,394 alleles (0.033%); highest among the groups gnomAD compares: African/African-American, 0.62%; 2 homozygotes.

Submission:

CeGaT Center for Human Genetics Tuebingen
Classification: Likely benign. Last evaluated: 2026-06-01. Review status: criteria provided, single submitter. Criteria: CeGaT Center For Human Genetics Tuebingen Variant Classification Criteria Version 2. Collection method: clinical testing. Allele origin: germline. Affected: yes. Observed: 1 variant allele.
Comment: KDM5A: BP4, BP7